The following is an entry in ClinVar:

NM_001386140.1(MTTP):c.1157G>A (p.Ser386Asn)

Gene: MTTP (microsomal triglyceride transfer protein; plus strand). Cytogenetic location: 4q23.
Variant type: single nucleotide variant.
Coding change: c.1157G>A on transcript NM_001386140.1 (MANE Select); coding-DNA position 1157, G replaced by A.
Protein change: p.Ser386Asn; replaces serine 386 with asparagine.
Molecular consequence: missense variant.
Genome position (GRCh38, 1-based): chr4:99,600,654, G>A. VCF-style: chr4-99600654-G-A. GRCh37 (hg19) VCF-style: chr4-100521811-G-A.
Other names: c.1157G>A, p.Ser386Asn (NM_000253.4); c.908G>A, p.Ser303Asn (NM_001300785.2); short protein forms S303N, S386N.
Identifiers: ClinVar variation 2121770 (VCV002121770.4), dbSNP rs2476124390, ClinGen allele CA357508301.

ClinVar aggregate classification (germline): Uncertain significance (1 of 4 stars; one submission).

gnomAD v4.1: 1 of 1,613,852 alleles (0.000062%); highest among the groups gnomAD compares: Non-Finnish European, 0.000085%; no homozygotes.

Submission:

Labcorp Genetics (formerly Invitae), Labcorp
Classification: Uncertain significance. Last evaluated: 2022-04-05. Review status: criteria provided, single submitter. Criteria: Invitae Variant Classification Sherloc (09022015). Collection method: clinical testing. Allele origin: germline.
Comment: In summary, the available evidence is currently insufficient to determine the role of this variant in disease. Therefore, it has been classified as a Variant of Uncertain Significance. Algorithms developed to predict the effect of missense changes on protein structure and function output the following: SIFT: "Tolerated"; PolyPhen-2: "Benign"; Align-GVGD: "Class C0". The asparagine amino acid residue is found in multiple mammalian species, which suggests that this missense change does not adversely affect protein function. This variant has not been reported in the literature in individuals affected with MTTP-related conditions. This variant is not present in population databases (gnomAD no frequency). This sequence change replaces serine, which is neutral and polar, with asparagine, which is neutral and polar, at codon 386 of the MTTP protein (p.Ser386Asn).